The following is an entry in ClinVar:

ClinVar aggregate classification (germline): Uncertain significance (1 of 4 stars; one submission).

Conditions:
Fanconi anemia (FA). Also called: Fanconi's anemia. Identifiers: Orphanet 84, MedGen C0015625, MeSH D005199, MONDO:0019391.

Submission:

Labcorp Genetics (formerly Invitae), Labcorp
Classification: Uncertain significance for Fanconi anemia. Last evaluated: 2023-11-18. Review status: criteria provided, single submitter. Criteria: Invitae Variant Classification Sherloc (09022015). Collection method: clinical testing. Allele origin: germline.
Comment: This sequence change replaces proline, which is neutral and non-polar, with alanine, which is neutral and non-polar, at codon 1222 of the FANCA protein (p.Pro1222Ala). This variant is not present in population databases (gnomAD no frequency). This variant has not been reported in the literature in individuals affected with FANCA-related conditions. Advanced modeling of protein sequence and biophysical properties (such as structural, functional, and spatial information, amino acid conservation, physicochemical variation, residue mobility, and thermodynamic stability) performed at Invitae indicates that this missense variant is not expected to disrupt FANCA protein function with a negative predictive value of 80%. In summary, the available evidence is currently insufficient to determine the role of this variant in disease. Therefore, it has been classified as a Variant of Uncertain Significance.

NM_000135.4(FANCA):c.3664C>G (p.Pro1222Ala)

Gene: FANCA (FA complementation group A; minus strand). Cytogenetic location: 16q24.3.
Variant type: single nucleotide variant.
Coding change: c.3664C>G on transcript NM_000135.4 (MANE Select); coding-DNA position 3664, C replaced by G.
Protein change: p.Pro1222Ala; replaces proline 1222 with alanine.
Molecular consequence: missense variant.
Genome position (GRCh38, 1-based): chr16:89,742,901, G>C on the plus strand (C>G on the coding strand, the complement: FANCA is on the minus strand). VCF-style: chr16-89742901-G-C. GRCh37 (hg19) VCF-style: chr16-89809309-G-C.
Other names: c.3664C>G, p.Pro1222Ala (NM_001286167.3); short protein forms P1222A.
Identifiers: ClinVar variation 3010443 (VCV003010443.3), dbSNP rs2143062378, ClinGen allele CA397485483.